The following is an entry in ClinVar:

NM_020738.4(KIDINS220):c.1286C>G (p.Ser429Cys)

Gene: KIDINS220 (kinase D interacting substrate 220; minus strand). Cytogenetic location: 2p25.1.
Variant type: single nucleotide variant.
Coding change: c.1286C>G on transcript NM_020738.4 (MANE Select); coding-DNA position 1286, C replaced by G.
Protein change: p.Ser429Cys; replaces serine 429 with cysteine.
Molecular consequence: missense variant. On other transcripts: non-coding transcript variant (2).
Genome position (GRCh38, 1-based): chr2:8,791,215, G>C on the plus strand (C>G on the coding strand, the complement: KIDINS220 is on the minus strand). VCF-style: chr2-8791215-G-C. GRCh37 (hg19) VCF-style: chr2-8931345-G-C.
Other names: c.1289C>G, p.Ser430Cys (NM_001348739.2, NM_001348740.2, NM_001348745.2 and 3 more transcripts); c.1286C>G, p.Ser429Cys (NM_001348741.2, NM_001348742.2, NM_001348743.2 and 3 more transcripts); c.1160C>G, p.Ser387Cys (NM_001348736.2); short protein forms S387C, S430C, S429C.
Identifiers: ClinVar variation 2872768 (VCV002872768.3), dbSNP rs2528050022, ClinGen allele CA345768493.
Genomic context (GRCh38, chr2:8,791,215, plus strand): 5'-TCTGCCAGGGCACTGCTATATAAATCATATCCAAGCATGTCACCGTCTGTTTCAGTAGGA[G>C]ACAAGTGTCCTGTAATTAAAACACATCATATCTTACATTAAACAGTGGCATTACTATTAG-3'
Protein context (NP_065789.1, residues 419-439): LTQIFGARHL[Ser429Cys]PTETDGDMLG

ClinVar aggregate classification (germline): Uncertain significance (1 of 4 stars; one submission).

Submission:

Labcorp Genetics (formerly Invitae), Labcorp
Classification: Uncertain significance. Last evaluated: 2024-11-04. Review status: criteria provided, single submitter. Criteria: Invitae Variant Classification Sherloc (09022015). Collection method: clinical testing. Allele origin: germline.
Comment: This sequence change replaces serine, which is neutral and polar, with cysteine, which is neutral and slightly polar, at codon 429 of the KIDINS220 protein (p.Ser429Cys). This variant is not present in population databases (gnomAD no frequency). This variant has not been reported in the literature in individuals affected with KIDINS220-related conditions. ClinVar contains an entry for this variant (Variation ID: 2872768). An algorithm developed to predict the effect of missense changes on protein structure and function (PolyPhen-2) suggests that this variant is likely to be disruptive. In summary, the available evidence is currently insufficient to determine the role of this variant in disease. Therefore, it has been classified as a Variant of Uncertain Significance.